The following is an entry in ClinVar:

ClinVar aggregate classification (germline): Likely benign. Review status: criteria provided, multiple submitters, no conflicts (2 of 4 stars). 2 submissions from 2 submitters: Likely benign (2). Last evaluated 2023-12-13.

Conditions:
Hypercholesterolemia, autosomal dominant, 3 (FHCL3). Also called: Familial Hypercholesterolemia, Autosomal Dominant, 3; PCSK9-Related Familial Hypercholesterolemia, Autosomal Dominant; Familial hypercholesterolemia 3. Identifiers: MedGen C1863551, MONDO:0011369, OMIM 603776.

Submissions (2):

All of Us Research Program, National Institutes of Health
Classification: Likely benign for Hypercholesterolemia, autosomal dominant, 3. Last evaluated: 2023-12-13. Review status: criteria provided, single submitter. Criteria: ACMG Guidelines, 2015. Collection method: clinical testing. Allele origin: germline. Inheritance: Autosomal dominant inheritance. Observed: 1 variant allele, 1 heterozygote.
Comment: This study involves interpretation of variants in research participants for the purpose of population health screening. Participant phenotype was not available at the time of variant classification. Additional details can be found in publication PMID: 35346344, PMCID: PMC8962531

Labcorp Genetics (formerly Invitae), Labcorp
Classification: Likely benign for Hypercholesterolemia, autosomal dominant, 3. Last evaluated: 2019-03-22. Review status: criteria provided, single submitter. Criteria: Invitae Variant Classification Sherloc (09022015). Collection method: clinical testing. Allele origin: germline.

NM_174936.4(PCSK9):c.147G>A (p.Glu49=)

Gene: PCSK9 (proprotein convertase subtilisin/kexin type 9; plus strand). Cytogenetic location: 1p32.3.
Variant type: single nucleotide variant.
Coding change: c.147G>A on transcript NM_174936.4 (MANE Select); coding-DNA position 147, G replaced by A.
Protein change: p.Glu49=; no amino-acid change (glutamic acid 49 retained).
Molecular consequence: synonymous variant.
Genome position (GRCh38, 1-based): chr1:55,039,984, G>A. VCF-style: chr1-55039984-G-A. GRCh37 (hg19) VCF-style: chr1-55505657-G-A.
Identifiers: ClinVar variation 1139726 (VCV001139726.10), dbSNP rs747002272, ClinGen allele CA417957404.